The following is an entry in ClinVar:

NM_017934.7(PHIP):c.4053+4A>G

Genes: IRAK1BP1 (interleukin 1 receptor associated kinase 1 binding protein 1; plus strand), PHIP (PHIP subunit of CUL4-Ring ligase complex; minus strand). Cytogenetic location: 6q14.1.
Variant type: single nucleotide variant.
Coding change: c.4053+4A>G on transcript NM_017934.7 (MANE Select); 4 bases into the intron after coding-DNA position 4053, A replaced by G.
Molecular consequence: intron variant.
Genome position (GRCh38, 1-based): chr6:78,954,810, T>C on the plus strand (A>G on the coding strand, the complement: PHIP is on the minus strand). VCF-style: chr6-78954810-T-C. GRCh37 (hg19) VCF-style: chr6-79664527-T-C.
Identifiers: ClinVar variation 4540010 (VCV004540010.1).
Genomic context (GRCh38, chr6:78,954,810, plus strand): 5'-AACTGTCATGTAAAAGGTATGTAGCAAACTGACAGGTAAAGAAAATATTTTCAAAAATAC[T>C]TACTGGATATTCAAGGAGATCTACCGGCTGACGGAAAGGCTCTGAATCTTCACATTGAAA-3'

ClinVar aggregate classification (germline): Uncertain significance (1 of 4 stars; one submission).

Submission:

GeneDx
Classification: Uncertain significance. Last evaluated: 2025-06-26. Review status: criteria provided, single submitter. Criteria: GeneDx Variant Classification Process June 2021. Collection method: clinical testing. Allele origin: germline. Affected: yes.
Comment: Not observed at significant frequency in large population cohorts (gnomAD); In silico analysis supports a deleterious effect on splicing; Has not been previously published as pathogenic or benign to our knowledge